The following is an entry in ClinVar:

NC_000002.12:g.240042187G>T

Gene: PRR21 (proline rich 21; minus strand). Cytogenetic location: 2q37.3.
Variant type: single nucleotide variant.
Genome position: GRCh38 VCF-style: chr2-240042187-G-T. GRCh37 (hg19) VCF-style: chr2-240981604-G-T.
Identifiers: ClinVar variation 3256970 (VCV003256970.17).

ClinVar aggregate classification (germline): Likely benign (1 of 4 stars; one submission).

Submission:

CeGaT Center for Human Genetics Tuebingen
Classification: Likely benign. Last evaluated: 2024-07-01. Review status: criteria provided, single submitter. Criteria: CeGaT Center For Human Genetics Tuebingen Variant Classification Criteria Version 2. Collection method: clinical testing. Allele origin: germline. Affected: yes. Observed: 1 variant allele.
Comment: PRR21: BS2